The following is an entry in ClinVar:

NM_001378477.3(NYX):c.1242G>C (p.Lys414Asn)

Gene: NYX (nyctalopin; plus strand). Cytogenetic location: Xp11.4.
Variant type: single nucleotide variant.
Coding change: c.1242G>C on transcript NM_001378477.3 (MANE Select); coding-DNA position 1242, G replaced by C.
Protein change: p.Lys414Asn; replaces lysine 414 with asparagine.
Molecular consequence: missense variant.
Genome position (GRCh38, 1-based): chrX:41,474,710, G>C. VCF-style: chrX-41474710-G-C. GRCh37 (hg19) VCF-style: chrX-41333963-G-C.
Other names: c.1242G>C, p.Lys414Asn (NM_022567.3); short protein forms K414N.
Identifiers: ClinVar variation 4734819 (VCV004734819.1).

ClinVar aggregate classification (germline): Uncertain significance (1 of 4 stars; one submission).

Submission:

Labcorp Genetics (formerly Invitae), Labcorp
Classification: Uncertain significance. Last evaluated: 2026-01-06. Review status: criteria provided, single submitter. Criteria: Invitae Variant Classification Sherloc (09022015). Collection method: clinical testing. Allele origin: germline.
Comment: This sequence change replaces lysine, which is basic and polar, with asparagine, which is neutral and polar, at codon 419 of the NYX protein (p.Lys419Asn). This variant is not present in population databases (gnomAD no frequency). This variant has not been reported in the literature in individuals affected with NYX-related conditions. An algorithm developed to predict the effect of missense changes on protein structure and function (PolyPhen-2) suggests that this variant is likely to be disruptive. In summary, the available evidence is currently insufficient to determine the role of this variant in disease. Therefore, it has been classified as a Variant of Uncertain Significance.